The following is an entry in ClinVar:

NM_021009.7(UBC):c.1020C>T (p.Ile340=)

Gene: UBC (ubiquitin C; minus strand). Cytogenetic location: 12q24.31.
Variant type: single nucleotide variant.
Coding change: c.1020C>T on transcript NM_021009.7 (MANE Select); coding-DNA position 1020, C replaced by T.
Protein change: p.Ile340=; no amino-acid change (isoleucine 340 retained).
Molecular consequence: synonymous variant.
Genome position (GRCh38, 1-based): chr12:124,912,752, G>A on the plus strand (C>T on the coding strand, the complement: UBC is on the minus strand). VCF-style: chr12-124912752-G-A. GRCh37 (hg19) VCF-style: chr12-125397298-G-A.
Identifiers: ClinVar variation 5040929 (VCV005040929.1).
Genomic context (GRCh38, chr12:124,912,752, plus strand): 5'-CAGGGTACGACCATCTTCCAGCTGTTTTCCGGCAAAGATCAACCTCTGCTGGTCAGGAGG[G>A]ATGCCTTCCTTGTCTTGGATCTTTGCCTTGACATTCTCAATGGTGTCACTCGGCTCCACT-3'
Protein context (NP_066289.3, residues 330-350): VKAKIQDKEG[Ile340=]PPDQQRLIFA

ClinVar aggregate classification (germline): Likely benign (1 of 4 stars; one submission).

gnomAD v4.1: 112 of 1,586,976 alleles (0.0071%); highest among the groups gnomAD compares: African/African-American, 0.038%; no homozygotes.

Submission:

CeGaT Center for Human Genetics Tuebingen
Classification: Likely benign. Last evaluated: 2026-09-01. Review status: criteria provided, single submitter. Criteria: CeGaT Center For Human Genetics Tuebingen Variant Classification Criteria Version 2. Collection method: clinical testing. Allele origin: germline. Affected: yes. Observed: 1 variant allele.
Comment: UBC: BP4, BP7